The following is an entry in ClinVar:

NM_000238.4(KCNH2):c.1236G>T (p.Trp412Cys)

Gene: KCNH2 (potassium voltage-gated channel subfamily H member 2; minus strand). Cytogenetic location: 7q36.1.
Variant type: single nucleotide variant.
Coding change: c.1236G>T on transcript NM_000238.4 (MANE Select); coding-DNA position 1236, G replaced by T.
Protein change: p.Trp412Cys; replaces tryptophan 412 with cysteine.
Molecular consequence: missense variant. On other transcripts: non-coding transcript variant (2).
Genome position (GRCh38, 1-based): chr7:150,952,746, C>A on the plus strand (G>T on the coding strand, the complement: KCNH2 is on the minus strand). VCF-style: chr7-150952746-C-A. GRCh37 (hg19) VCF-style: chr7-150649834-C-A.
Other names: c.216G>T, p.Trp72Cys (NM_001204798.2, NM_172057.3); c.948G>T, p.Trp316Cys (NM_001406753.1, NM_001406756.1); c.1059G>T, p.Trp353Cys (NM_001406755.1); c.936G>T, p.Trp312Cys (NM_001406757.1); c.1236G>T, p.Trp412Cys (NM_172056.3); short protein forms W312C, W412C, W353C, W316C, W72C.
Identifiers: ClinVar variation 4055819 (VCV004055819.1).

ClinVar aggregate classification (germline): Uncertain significance (1 of 4 stars; one submission).

Submission:

GeneDx
Classification: Uncertain significance. Last evaluated: 2024-12-27. Review status: criteria provided, single submitter. Criteria: GeneDx Variant Classification Process June 2021. Collection method: clinical testing. Allele origin: germline. Affected: yes.
Comment: Not observed at significant frequency in large population cohorts (gnomAD); In silico analysis supports that this missense variant has a deleterious effect on protein structure/function; Has not been previously published as pathogenic or benign to our knowledge